The following is an entry in ClinVar:

ClinVar aggregate classification (germline): Benign/Likely benign. Review status: criteria provided, multiple submitters, no conflicts (2 of 4 stars). 9 submissions from 9 submitters: Benign (3); Likely benign (6). Last evaluated 2026-01-13.

Conditions:
MBD5-related disorder. Also called: MBD5-related condition.
Inborn genetic diseases. Identifiers: MedGen C0950123, MeSH D030342.
Intellectual developmental disorder, autosomal dominant 1. Also called: MBD5 Haploinsufficiency; Intellectual disability, autosomal dominant 1. Identifiers: Orphanet 228402, MedGen C1969562, MONDO:0007974, OMIM 156200.

Allele frequency attached by ClinVar (database versions not stated): 1000 Genomes Project 30x 0.00016; 1000 Genomes Project 0.00020; TOPMed 0.00051; ESP Exome Variant Server 0.00108.
gnomAD v4.1: 1,154 of 1,613,578 alleles (0.072%); highest among the groups gnomAD compares: Non-Finnish European, 0.093%; 2 homozygotes.

Submissions (9):

Labcorp Genetics (formerly Invitae), Labcorp
Classification: Likely benign for Intellectual developmental disorder, autosomal dominant 1. Last evaluated: 2026-01-13. Review status: criteria provided, single submitter. Criteria: Invitae Variant Classification Sherloc (09022015). Collection method: clinical testing. Allele origin: germline.

CeGaT Center for Human Genetics Tuebingen
Classification: Likely benign. Last evaluated: 2025-10-01. Review status: criteria provided, single submitter. Criteria: CeGaT Center For Human Genetics Tuebingen Variant Classification Criteria Version 2. Collection method: clinical testing. Allele origin: germline. Affected: yes. Observed: 8 variant alleles.
Comment: MBD5: BS1

Blueprint Genetics
Classification: Likely benign. Last evaluated: 2024-11-23. Review status: criteria provided, single submitter. Criteria: ACMG Guidelines, 2015. Collection method: clinical testing. Allele origin: germline.

PreventionGenetics, part of Exact Sciences
Classification: Likely benign for MBD5-related condition. Last evaluated: 2024-11-05. Review status: criteria provided, single submitter. Criteria: ACMG Guidelines, 2015. Collection method: clinical testing. Allele origin: germline.
Comment: This variant is classified as likely benign based on ACMG/AMP sequence variant interpretation guidelines (Richards et al. 2015 PMID: 25741868, with internal and published modifications).

Ambry Genetics
Classification: Benign for Inborn genetic diseases. Last evaluated: 2020-01-23. Review status: criteria provided, single submitter. Criteria: Ambry Variant Classification Scheme 2023. Collection method: clinical testing. Allele origin: germline.

GeneDx
Classification: Benign. Last evaluated: 2020-01-13. Review status: criteria provided, single submitter. Criteria: GeneDx Variant Classification Process June 2021. Collection method: clinical testing. Allele origin: germline. Affected: yes.

Mendelics
Classification: Likely benign for Intellectual developmental disorder, autosomal dominant 1. Last evaluated: 2019-05-28. Review status: criteria provided, single submitter. Criteria: Mendelics Assertion Criteria 2017. Collection method: clinical testing. Allele origin: unknown.

Athena Diagnostics
Classification: Likely benign. Last evaluated: 2017-06-09. Review status: criteria provided, single submitter. Criteria: Athena Diagnostics Criteria. Collection method: clinical testing. Allele origin: germline.

Eurofins Ntd Llc (ga)
Classification: Benign. Last evaluated: 2013-01-04. Review status: criteria provided, single submitter. Criteria: EGL Classification Definitions 2015. Collection method: clinical testing. Allele origin: germline. Observed: 1 variant allele, 1 heterozygote.

NM_001378120.1(MBD5):c.2605G>A (p.Val869Ile)

Gene: MBD5 (methyl-CpG binding domain protein 5; plus strand). Cytogenetic location: 2q23.1.
Variant type: single nucleotide variant.
Coding change: c.2605G>A on transcript NM_001378120.1 (MANE Select); coding-DNA position 2605, G replaced by A.
Protein change: p.Val869Ile; replaces valine 869 with isoleucine.
Molecular consequence: missense variant.
Genome position (GRCh38, 1-based): chr2:148,483,196, G>A. VCF-style: chr2-148483196-G-A. GRCh37 (hg19) VCF-style: chr2-149240765-G-A.
Other names: p.V869I:GTC>ATC; c.2605G>A, p.Val869Ile (NM_018328.5); short protein forms V869I.
Identifiers: ClinVar variation 95901 (VCV000095901.53), dbSNP rs116207524, ClinGen allele CA285751.